The following is an entry in ClinVar:

NM_021224.6(ZNF462):c.6013-32G>A

Gene: ZNF462 (zinc finger protein 462; plus strand). Cytogenetic location: 9q31.2.
Variant type: single nucleotide variant.
Coding change: c.6013-32G>A on transcript NM_021224.6 (MANE Select); 32 bases into the intron before coding-DNA position 6013, G replaced by A.
Molecular consequence: intron variant.
Genome position (GRCh38, 1-based): chr9:106,932,414, G>A. VCF-style: chr9-106932414-G-A. GRCh37 (hg19) VCF-style: chr9-109694695-G-A.
Other names: c.3418-32G>A (NM_001347997.2).
Identifiers: ClinVar variation 3067494 (VCV003067494.21), dbSNP rs375922606, ClinGen allele CA5172130.
Genomic context (GRCh38, chr9:106,932,414, plus strand): 5'-AACACTGCTTGCTTGATGGAATGTTGGAGGATGAAACCCGGCCGGGGGGATACCATTGCA[G>A]TCAATGTGACAGAGTCCTGATGTCCATGCAGGGGCTGCGTTCTCATGAGAGGAGCCACCT-3'

ClinVar aggregate classification (germline): Likely benign (1 of 4 stars; one submission).

Allele frequency attached by ClinVar (database versions not stated): ExAC 0.00006; gnomAD 0.00008; ESP Exome Variant Server 0.00038.
gnomAD v4.1: 261 of 1,614,088 alleles (0.016%); highest among the groups gnomAD compares: Non-Finnish European, 0.02%; no homozygotes.

Submission:

CeGaT Center for Human Genetics Tuebingen
Classification: Likely benign. Last evaluated: 2026-01-01. Review status: criteria provided, single submitter. Criteria: CeGaT Center For Human Genetics Tuebingen Variant Classification Criteria Version 2. Collection method: clinical testing. Allele origin: germline. Affected: yes. Observed: 4 variant alleles.
Comment: ZNF462: BP4